The following is an entry in ClinVar:

ClinVar aggregate classification (germline): Uncertain significance (1 of 4 stars; one submission).

Submission:

Dasa
Classification: Uncertain significance. Last evaluated: 2025-06-21. Review status: criteria provided, single submitter. Criteria: DASA Assertion Criteria. Collection method: clinical testing. Allele origin: germline.
Comment: NM_020338.4(ZMIZ1):c.2147T>C (p.Val716Ala) is a missense variant that results in the substitution of valine with alanine. This variant is absent from population databases. Computational prediction algorithms are consistent with a benign effect. The currently available literature and clinical evidence are not sufficient to establish a definitive association between this variant and the reported condition. Therefore, this variant is classified as a variant of uncertain significance.

NM_020338.4(ZMIZ1):c.2147T>C (p.Val716Ala)

Gene: ZMIZ1 (zinc finger MIZ-type containing 1; plus strand). Cytogenetic location: 10q22.3.
Variant type: single nucleotide variant.
Coding change: c.2147T>C on transcript NM_020338.4 (MANE Select); coding-DNA position 2147, T replaced by C.
Protein change: p.Val716Ala; replaces valine 716 with alanine.
Molecular consequence: missense variant.
Genome position (GRCh38, 1-based): chr10:79,304,036, T>C. VCF-style: chr10-79304036-T-C. GRCh37 (hg19) VCF-style: chr10-81063793-T-C.
Other names: short protein forms V716A.
Identifiers: ClinVar variation 4882562 (VCV004882562.2).